The following is an entry in ClinVar:

ClinVar aggregate classification (germline): Uncertain significance (1 of 4 stars; one submission).

Allele frequency attached by ClinVar (database versions not stated): gnomAD exomes below 0.00001; TOPMed below 0.00001.
gnomAD v4.1: 1 of 1,614,104 alleles (0.000062%); highest among the groups gnomAD compares: Non-Finnish European, 0.000085%; no homozygotes.

Submission:

Labcorp Genetics (formerly Invitae), Labcorp
Classification: Uncertain significance. Last evaluated: 2023-10-05. Review status: criteria provided, single submitter. Criteria: Invitae Variant Classification Sherloc (09022015). Collection method: clinical testing. Allele origin: germline.
Comment: This sequence change replaces glycine, which is neutral and non-polar, with arginine, which is basic and polar, at codon 879 of the DSG1 protein (p.Gly879Arg). This variant is not present in population databases (gnomAD no frequency). This variant has not been reported in the literature in individuals affected with DSG1-related conditions. An algorithm developed to predict the effect of missense changes on protein structure and function (PolyPhen-2) suggests that this variant is likely to be disruptive. In summary, the available evidence is currently insufficient to determine the role of this variant in disease. Therefore, it has been classified as a Variant of Uncertain Significance.

NM_001942.4(DSG1):c.2635G>A (p.Gly879Arg)

Genes: DSG1 (desmoglein 1; plus strand), DSG1-AS1 (DSG1 antisense RNA 1; minus strand), LOC126862720 (MED14-independent group 3 enhancer GRCh37_chr18:28933613-28934812; plus strand). Cytogenetic location: 18q12.1.
Variant type: single nucleotide variant.
Coding change: c.2635G>A on transcript NM_001942.4 (MANE Select); coding-DNA position 2635, G replaced by A.
Protein change: p.Gly879Arg; replaces glycine 879 with arginine.
Molecular consequence: missense variant.
Genome position (GRCh38, 1-based): chr18:31,354,831, G>A. VCF-style: chr18-31354831-G-A. GRCh37 (hg19) VCF-style: chr18-28934794-G-A.
Other names: short protein forms G879R.
Identifiers: ClinVar variation 2815170 (VCV002815170.3), dbSNP rs2071939498, ClinGen allele CA402123773.